The following is an entry in ClinVar:

ClinVar aggregate classification (germline): Uncertain significance (1 of 4 stars; one submission).

Conditions:
SEMA3A-related disorder. Also called: SEMA3A-related condition.

gnomAD v4.1: 3 of 1,605,438 alleles (0.00019%); highest among the groups gnomAD compares: Non-Finnish European, 0.00026%; no homozygotes.

Submission:

PreventionGenetics, part of Exact Sciences
Classification: Uncertain significance for SEMA3A-related condition. Last evaluated: 2026-08-10. Review status: criteria provided, single submitter. Criteria: ACMG Guidelines, 2015. Collection method: clinical testing. Allele origin: germline.
Comment: The SEMA3A c.1494G>A variant is not predicted to result in an amino acid change (p.=). To our knowledge, this variant has not been reported in the literature. This variant is reported in 0.0065% of alleles in individuals of European (Non-Finnish) descent in gnomAD. At this time, the clinical significance of this variant is uncertain due to the absence of conclusive functional and genetic evidence.

NM_006080.3(SEMA3A):c.1494G>A (p.Gln498=)

Gene: SEMA3A (semaphorin 3A; minus strand). Cytogenetic location: 7q21.11.
Variant type: single nucleotide variant.
Coding change: c.1494G>A on transcript NM_006080.3 (MANE Select); coding-DNA position 1494, G replaced by A.
Protein change: p.Gln498=; no amino-acid change (glutamine 498 retained).
Molecular consequence: synonymous variant.
Genome position (GRCh38, 1-based): chr7:83,985,436, C>T on the plus strand (G>A on the coding strand, the complement: SEMA3A is on the minus strand). VCF-style: chr7-83985436-C-T. GRCh37 (hg19) VCF-style: chr7-83614752-C-T.
Identifiers: ClinVar variation 4989997 (VCV004989997.1).